The following is an entry in ClinVar:

ClinVar aggregate classification (germline): Uncertain significance (1 of 4 stars; one submission).

Conditions:
Hereditary sensory and autonomic neuropathy type 6. Also called: Neuropathy, hereditary sensory and autonomic, type VI; HSAN VI. Identifiers: Orphanet 314381, MedGen C3539003, MONDO:0013839, OMIM 614653.
Epidermolysis bullosa simplex 3, localized or generalized intermediate, with BP230 deficiency (EBS3). Also called: Epidermolysis bullosa simplex due to BP230 deficiency; Epidermolysis bullosa simplex, autosomal recessive 2. Identifiers: Orphanet 412181, MedGen C3809470, MONDO:0014180, OMIM 615425.

Allele frequency attached by ClinVar (database versions not stated): gnomAD exomes below 0.00001.
gnomAD v4.1: 1 of 1,614,124 alleles (0.000062%); highest among the groups gnomAD compares: Non-Finnish European, 0.000085%; no homozygotes.

Submission:

Labcorp Genetics (formerly Invitae), Labcorp
Classification: Uncertain significance for Epidermolysis bullosa simplex 3, localized or generalized intermediate, with BP230 deficiency; Hereditary sensory and autonomic neuropathy type 6. Last evaluated: 2022-06-27. Review status: criteria provided, single submitter. Criteria: Invitae Variant Classification Sherloc (09022015). Collection method: clinical testing. Allele origin: germline.
Comment: This variant is not present in population databases (gnomAD no frequency). In summary, the available evidence is currently insufficient to determine the role of this variant in disease. Therefore, it has been classified as a Variant of Uncertain Significance. Algorithms developed to predict the effect of missense changes on protein structure and function are either unavailable or do not agree on the potential impact of this missense change (SIFT: "Deleterious"; PolyPhen-2: "Probably Damaging"; Align-GVGD: "Class C0"). ClinVar contains an entry for this variant (Variation ID: 1022331). This variant has not been reported in the literature in individuals affected with DST-related conditions. This sequence change replaces leucine, which is neutral and non-polar, with proline, which is neutral and non-polar, at codon 1389 of the DST protein (p.Leu1389Pro).

NM_001723.7(DST):c.4166T>C (p.Leu1389Pro)

Gene: DST (dystonin; minus strand). Cytogenetic location: 6p12.1.
Variant type: single nucleotide variant.
Coding change: c.4166T>C on transcript NM_001723.7 (MANE Plus Clinical); coding-DNA position 4166, T replaced by C.
Protein change: p.Leu1389Pro; replaces leucine 1389 with proline.
Molecular consequence: missense variant. On other transcripts: intron variant (10).
Genome position (GRCh38, 1-based): chr6:56,619,868, A>G on the plus strand (T>C on the coding strand, the complement: DST is on the minus strand). VCF-style: chr6-56619868-A-G. GRCh37 (hg19) VCF-style: chr6-56484666-A-G.
Other names: c.4830+4662T>C (NM_001144769.5); c.4929+4662T>C (NM_001374722.1, NM_001374736.1); c.4956+4662T>C (NM_001374734.1); c.4416+4662T>C (NM_001144770.2); c.4296+4662T>C (NM_001374730.1, NM_001386100.1, NM_183380.4 and 1 more transcripts); c.3318+4662T>C (NM_015548.5); short protein forms L1389P.
Identifiers: ClinVar variation 1022331 (VCV001022331.7), dbSNP rs2098670795, ClinGen allele CA364570275.